The following is an entry in ClinVar:

NM_001033044.4(GLUL):c.62C>T (p.Pro21Leu)

Gene: GLUL (glutamate-ammonia ligase; minus strand). Cytogenetic location: 1q25.3.
Variant type: single nucleotide variant.
Coding change: c.62C>T on transcript NM_001033044.4 (MANE Select); coding-DNA position 62, C replaced by T.
Protein change: p.Pro21Leu; replaces proline 21 with leucine.
Molecular consequence: missense variant.
Genome position (GRCh38, 1-based): chr1:182,388,676, G>A on the plus strand (C>T on the coding strand, the complement: GLUL is on the minus strand). VCF-style: chr1-182388676-G-A. GRCh37 (hg19) VCF-style: chr1-182357811-G-A.
Other names: c.62C>T, p.Pro21Leu (NM_001033056.4, NM_002065.7); short protein forms P21L.
Identifiers: ClinVar variation 5005373 (VCV005005373.2).
Genomic context (GRCh38, chr1:182,388,676, plus strand): 5'-CGCAGTCCTTCTCCAGTACCATCGATCCAGATATACATGGCCTGGACTTTCTCACCCTGA[G>A]GCAGGGACATGTACACCTGCTTGATGCCTTTATTTAAGTGGGAACTTGCTGAGGTGGTCA-3'
Protein context (NP_001028216.1, residues 11-31): KGIKQVYMSL[Pro21Leu]QGEKVQAMYI

ClinVar aggregate classification (germline): Uncertain significance (1 of 4 stars; one submission).

Conditions:
Developmental and epileptic encephalopathy 116. Identifiers: MedGen C5935615, MONDO:0970945, OMIM 620806.
Congenital brain dysgenesis due to glutamine synthetase deficiency (GLND). Also called: GLUTAMINE SYNTHASE DEFICIENCY, CONGENITAL SYSTEMIC. Identifiers: Orphanet 71278, MedGen C1864910, MONDO:0012393, OMIM 610015.

Submission:

Juno Genomics, Hangzhou Juno Genomics, Inc
Classification: Uncertain significance for Developmental and epileptic encephalopathy 116; Congenital brain dysgenesis due to glutamine synthetase deficiency. Review status: criteria provided, single submitter. Criteria: ACMG Guidelines, 2015. Collection method: clinical testing. Allele origin: germline.
Comment: Absent from controls (or at extremely low frequency if recessive) in Genome Aggregation Database.;Missense variant in a gene that has a low rate of benign missense variation.